The following is an entry in ClinVar:

NM_003331.5(TYK2):c.1508G>A (p.Arg503Gln)

Gene: TYK2 (tyrosine kinase 2; minus strand). Cytogenetic location: 19p13.2.
Variant type: single nucleotide variant.
Coding change: c.1508G>A on transcript NM_003331.5 (MANE Select); coding-DNA position 1508, G replaced by A.
Protein change: p.Arg503Gln; replaces arginine 503 with glutamine.
Molecular consequence: missense variant.
Genome position (GRCh38, 1-based): chr19:10,362,425, C>T on the plus strand (G>A on the coding strand, the complement: TYK2 is on the minus strand). VCF-style: chr19-10362425-C-T. GRCh37 (hg19) VCF-style: chr19-10473101-C-T.
Other names: short protein forms R503Q.
Identifiers: ClinVar variation 967519 (VCV000967519.8), dbSNP rs541104349, ClinGen allele CA9193394.

ClinVar aggregate classification (germline): Uncertain significance. Review status: criteria provided, multiple submitters, no conflicts (2 of 4 stars). 2 submissions from 2 submitters: Uncertain significance (2). Last evaluated 2024-01-30.

Conditions:
Inborn genetic diseases. Identifiers: MedGen C0950123, MeSH D030342.
Immunodeficiency 35 (IMD35). Also called: TYK2 DEFICIENCY; Susceptibility to infection due to TYK2 deficiency; HIES WITH ATYPICAL MYCOBACTERIOSIS, AUTOSOMAL RECESSIVE; HYPER-IgE SYNDROME WITH ATYPICAL MYCOBACTERIOSIS, AUTOSOMAL RECESSIVE. Identifiers: Orphanet 331226, MedGen C1969086, MONDO:0012682, OMIM 611521.

Allele frequency attached by ClinVar (database versions not stated): ExAC 0.00001; gnomAD exomes 0.00001; TOPMed 0.00005; gnomAD 0.00006 and 0.00007; 1000 Genomes Project 30x 0.00016; 1000 Genomes Project 0.00020.
gnomAD v4.1: 23 of 1,608,262 alleles (0.0014%); highest among the groups gnomAD compares: African/African-American, 0.015%; no homozygotes.

Submissions (2):

Ambry Genetics
Classification: Uncertain significance for Inborn genetic diseases. Last evaluated: 2024-01-30. Review status: criteria provided, single submitter. Criteria: Ambry Variant Classification Scheme 2023. Collection method: clinical testing. Allele origin: germline.

Labcorp Genetics (formerly Invitae), Labcorp
Classification: Uncertain significance for Immunodeficiency 35. Last evaluated: 2022-07-19. Review status: criteria provided, single submitter. Criteria: Invitae Variant Classification Sherloc (09022015). Collection method: clinical testing. Allele origin: germline.
Comment: This variant has not been reported in the literature in individuals affected with TYK2-related conditions. In summary, the available evidence is currently insufficient to determine the role of this variant in disease. Therefore, it has been classified as a Variant of Uncertain Significance. Algorithms developed to predict the effect of missense changes on protein structure and function are either unavailable or do not agree on the potential impact of this missense change (SIFT: "Not Available"; PolyPhen-2: "Possibly Damaging"; Align-GVGD: "Not Available"). ClinVar contains an entry for this variant (Variation ID: 967519). The frequency data for this variant in the population databases is considered unreliable, as metrics indicate poor data quality at this position in the gnomAD database. This sequence change replaces arginine, which is basic and polar, with glutamine, which is neutral and polar, at codon 503 of the TYK2 protein (p.Arg503Gln).